The following is an entry in ClinVar:

NM_006922.4(SCN3A):c.1577C>A (p.Ser526Tyr)

Gene: SCN3A (sodium voltage-gated channel alpha subunit 3; minus strand). Cytogenetic location: 2q24.3.
Variant type: single nucleotide variant.
Coding change: c.1577C>A on transcript NM_006922.4 (MANE Select); coding-DNA position 1577, C replaced by A.
Protein change: p.Ser526Tyr; replaces serine 526 with tyrosine.
Molecular consequence: missense variant.
Genome position (GRCh38, 1-based): chr2:165,146,833, G>T on the plus strand (C>A on the coding strand, the complement: SCN3A is on the minus strand). VCF-style: chr2-165146833-G-T. GRCh37 (hg19) VCF-style: chr2-166003343-G-T.
Other names: c.1577C>A, p.Ser526Tyr (NM_001081676.2, NM_001081677.2); short protein forms S526Y.
Identifiers: ClinVar variation 1953605 (VCV001953605.5), dbSNP rs1403176076, ClinGen allele CA349236446.
Genomic context (GRCh38, chr2:165,146,833, plus strand): 5'-AGTCTGTTTCCATCCATGGAGAAAAGGAAGCTGCTTCTTTTGACGCTGTCTTCAGATTCG[G>T]ATTTGGGAAAGCTGTCTCTCTCTCCTTTGTTGTTTCCTTCAAGGTGCTCTCTCTGTCTTC-3'
Protein context (NP_008853.3, residues 516-536): NKGERDSFPK[Ser526Tyr]ESEDSVKRSS

ClinVar aggregate classification (germline): Uncertain significance (1 of 4 stars; one submission).

Submission:

Labcorp Genetics (formerly Invitae), Labcorp
Classification: Uncertain significance. Last evaluated: 2023-11-27. Review status: criteria provided, single submitter. Criteria: Invitae Variant Classification Sherloc (09022015). Collection method: clinical testing. Allele origin: germline.
Comment: This sequence change replaces serine, which is neutral and polar, with tyrosine, which is neutral and polar, at codon 526 of the SCN3A protein (p.Ser526Tyr). This variant is not present in population databases (gnomAD no frequency). This variant has not been reported in the literature in individuals affected with SCN3A-related conditions. ClinVar contains an entry for this variant (Variation ID: 1953605). Advanced modeling of protein sequence and biophysical properties (such as structural, functional, and spatial information, amino acid conservation, physicochemical variation, residue mobility, and thermodynamic stability) has been performed at Invitae for this missense variant, however the output from this modeling did not meet the statistical confidence thresholds required to predict the impact of this variant on SCN3A protein function. In summary, the available evidence is currently insufficient to determine the role of this variant in disease. Therefore, it has been classified as a Variant of Uncertain Significance.